The following is an entry in ClinVar:

NM_001184880.2(PCDH19):c.3280C>G (p.Leu1094Val)

Gene: PCDH19 (protocadherin 19; minus strand). Cytogenetic location: Xq22.1.
Variant type: single nucleotide variant.
Coding change: c.3280C>G on transcript NM_001184880.2 (MANE Select); coding-DNA position 3280, C replaced by G.
Protein change: p.Leu1094Val; replaces leucine 1094 with valine.
Molecular consequence: missense variant.
Genome position (GRCh38, 1-based): chrX:100,296,444, G>C on the plus strand (C>G on the coding strand, the complement: PCDH19 is on the minus strand). VCF-style: chrX-100296444-G-C. GRCh37 (hg19) VCF-style: chrX-99551442-G-C.
Other names: p.L1047V:CTG>GTG; c.3139C>G, p.Leu1047Val (NM_001105243.2); c.3136C>G, p.Leu1046Val (NM_020766.3); short protein forms L1094V, L1047V, L1046V.
Identifiers: ClinVar variation 138593 (VCV000138593.30), dbSNP rs184545774, ClinGen allele CA203265.

ClinVar aggregate classification (germline): Benign/Likely benign. Review status: criteria provided, multiple submitters, no conflicts (2 of 4 stars). 13 submissions from 13 submitters: Benign (4); Likely benign (5). 4 of the submissions do not count toward it. Last evaluated 2026-01-19.

Conditions:
Inborn genetic diseases. Identifiers: MedGen C0950123, MeSH D030342.
Developmental and epileptic encephalopathy, 9 (DEE9). Also called: Early infantile epileptic encephalopathy 9; EPILEPSY, FEMALE-RESTRICTED, WITH MENTAL RETARDATION; JUBERG-HELLMAN SYNDROME; PCDH19-Related X-Linked Female-Limited Epilepsy with Mental Retardation. Identifiers: Orphanet 101039, Orphanet 2076, MedGen C1848137, MONDO:0010246, OMIM 300088. Disease mechanism: loss of function.

Allele frequency attached by ClinVar (database versions not stated): 1000 Genomes Project 0.00132; ExAC 0.00143; 1000 Genomes Project 30x 0.00146; gnomAD exomes 0.00148 and 0.00258; gnomAD 0.00151 and 0.00152; TOPMed 0.00171; ESP Exome Variant Server 0.00228.
gnomAD v4.1: 2,982 of 1,209,488 alleles (0.25%); highest among the groups gnomAD compares: Middle Eastern, 0.39%; 2 homozygotes.

Submissions (13):

Labcorp Genetics (formerly Invitae), Labcorp
Classification: Likely benign for Developmental and epileptic encephalopathy, 9. Last evaluated: 2026-01-19. Review status: criteria provided, single submitter. Criteria: Invitae Variant Classification Sherloc (09022015). Collection method: clinical testing. Allele origin: germline.

Blueprint Genetics
Classification: Likely benign. Last evaluated: 2024-11-28. Review status: criteria provided, single submitter. Criteria: ACMG Guidelines, 2015. Collection method: clinical testing. Allele origin: germline.

ARUP Laboratories, Molecular Genetics and Genomics, ARUP Laboratories
Classification: Likely benign for Developmental and epileptic encephalopathy, 9. Last evaluated: 2023-10-09. Review status: criteria provided, single submitter. Criteria: ARUP Molecular Germline Variant Investigation Process 2024. Collection method: clinical testing. Allele origin: germline.

Ambry Genetics
Classification: Benign for Inborn genetic diseases. Last evaluated: 2018-05-22. Review status: criteria provided, single submitter. Criteria: Ambry Variant Classification Scheme 2023. Collection method: clinical testing. Allele origin: germline.

Genetic Services Laboratory, University of Chicago
Classification: Benign. Last evaluated: 2017-03-03. Review status: criteria provided, single submitter. Criteria: ACMG Guidelines, 2015. Collection method: clinical testing. Allele origin: germline. Affected: no.

Center for Human Genetics, Inc
Classification: Likely benign for Developmental and epileptic encephalopathy, 9. Last evaluated: 2016-11-01. Review status: criteria provided, single submitter. Criteria: ACMG Guidelines, 2015. Collection method: clinical testing. Allele origin: germline. Affected: yes.

Eurofins Ntd Llc (ga)
Classification: Benign. Last evaluated: 2015-02-23. Review status: criteria provided, single submitter. Criteria: EGL Classification Definitions 2015. Collection method: clinical testing. Allele origin: germline. Observed: 1 variant allele, 1 heterozygote.

GeneDx
Classification: Benign. Last evaluated: 2013-06-14. Review status: criteria provided, single submitter. Criteria: GeneDx Variant Classification (06012015). Collection method: clinical testing. Allele origin: germline. Affected: yes.
Comment: This variant is considered likely benign or benign based on one or more of the following criteria: it is a conservative change, it occurs at a poorly conserved position in the protein, it is predicted to be benign by multiple in silico algorithms, and/or has population frequency not consistent with disease.

Breakthrough Genomics
Classification: Likely benign. Review status: criteria provided, single submitter. Criteria: ACMG Guidelines, 2015. Collection method: not provided. Allele origin: germline. Inheritance: X-linked inheritance. Affected: yes.

Clinical Genetics DNA and cytogenetics Diagnostics Lab, Erasmus MC, Erasmus Medical Center
Classification: Likely benign. Review status: no assertion criteria provided. Collection method: clinical testing. Allele origin: germline. Affected: yes. Study: VKGL Data-share Consensus. Not counted in ClinVar's aggregate classification.

Diagnostic Laboratory, Department of Genetics, University Medical Center Groningen
Classification: Likely benign for Developmental and epileptic encephalopathy, 9. Review status: no assertion criteria provided. Collection method: clinical testing. Allele origin: germline. Affected: yes. Study: VKGL Data-share Consensus. Not counted in ClinVar's aggregate classification.

Genome Diagnostics Laboratory, University Medical Center Utrecht
Classification: Benign. Review status: no assertion criteria provided. Collection method: clinical testing. Allele origin: germline. Affected: yes. Study: VKGL Data-share Consensus. Not counted in ClinVar's aggregate classification.

Laboratory of Diagnostic Genome Analysis, Leiden University Medical Center (LUMC)
Classification: Likely benign. Review status: no assertion criteria provided. Collection method: clinical testing. Allele origin: germline. Affected: yes. Study: VKGL Data-share Consensus. Not counted in ClinVar's aggregate classification.

Literature cited by the submitters: PubMed 22267240 (cited by Ambry Genetics).